The following is an entry in ClinVar:

ClinVar aggregate classification (germline): Uncertain significance (1 of 4 stars; one submission).

Submission:

GeneDx
Classification: Uncertain significance. Last evaluated: 2024-12-19. Review status: criteria provided, single submitter. Criteria: GeneDx Variant Classification Process June 2021. Collection method: clinical testing. Allele origin: germline. Affected: yes.
Comment: Not observed at significant frequency in large population cohorts (gnomAD); In silico analysis indicates that this missense variant does not alter protein structure/function; Has not been previously published as pathogenic or benign to our knowledge

NM_001368397.1(FRMPD4):c.3895A>G (p.Asn1299Asp)

Gene: FRMPD4 (FERM and PDZ domain containing 4; plus strand). Cytogenetic location: Xp22.2.
Variant type: single nucleotide variant.
Coding change: c.3895A>G on transcript NM_001368397.1 (MANE Select); coding-DNA position 3895, A replaced by G.
Protein change: p.Asn1299Asp; replaces asparagine 1299 with aspartic acid.
Molecular consequence: missense variant.
Genome position (GRCh38, 1-based): chrX:12,718,721, A>G. VCF-style: chrX-12718721-A-G. GRCh37 (hg19) VCF-style: chrX-12736840-A-G.
Other names: c.4006A>G, p.Asn1336Asp (NM_001368395.3, NM_001368398.3); c.3901A>G, p.Asn1301Asp (NM_001368396.3); c.3886A>G, p.Asn1296Asp (NM_001368399.3); c.3775A>G, p.Asn1259Asp (NM_001368400.3); c.3871A>G, p.Asn1291Asp (NM_001368401.1, NM_001368402.3); c.3895A>G, p.Asn1299Asp (NM_014728.3); short protein forms N1259D, N1291D, N1296D, N1299D, N1301D, N1336D.
Identifiers: ClinVar variation 3906289 (VCV003906289.1).